The following is an entry in ClinVar:

NM_203447.4(DOCK8):c.2593G>A (p.Val865Met)

Gene: DOCK8 (dedicator of cytokinesis 8; plus strand). Cytogenetic location: 9p24.3.
Variant type: single nucleotide variant.
Coding change: c.2593G>A on transcript NM_203447.4 (MANE Select); coding-DNA position 2593, G replaced by A.
Protein change: p.Val865Met; replaces valine 865 with methionine.
Molecular consequence: missense variant.
Genome position (GRCh38, 1-based): chr9:379,923, G>A. VCF-style: chr9-379923-G-A. GRCh37 (hg19) VCF-style: chr9-379923-G-A.
Other names: c.2389G>A, p.Val797Met (NM_001190458.2, NM_001193536.2); short protein forms V865M, V797M.
Identifiers: ClinVar variation 653407 (VCV000653407.9), dbSNP rs770643758, ClinGen allele CA4958239.

ClinVar aggregate classification (germline): Uncertain significance. Review status: criteria provided, multiple submitters, no conflicts (2 of 4 stars). 2 submissions from 2 submitters: Uncertain significance (2). Last evaluated 2022-05-27.

Conditions:
Combined immunodeficiency due to DOCK8 deficiency (HIES2). Also called: HYPER-IgE RECURRENT INFECTION SYNDROME 2, AUTOSOMAL RECESSIVE; HYPER-IgE SYNDROME 2, AUTOSOMAL RECESSIVE, WITH RECURRENT INFECTIONS; HIES autosomal recessive; Hyper-IgE recurrent infection syndrome, autosomal recessive; DOCK8 Deficiency. Identifiers: Orphanet 217390, MedGen C4722305, MONDO:0009478, OMIM 243700.

Allele frequency attached by ClinVar (database versions not stated): gnomAD 0.00002; gnomAD exomes 0.00003 and 0.00007; ExAC 0.00004; TOPMed 0.00006.
gnomAD v4.1: 53 of 1,613,844 alleles (0.0033%); highest among the groups gnomAD compares: Middle Eastern, 0.016%; no homozygotes.

Submissions (2):

Labcorp Genetics (formerly Invitae), Labcorp
Classification: Uncertain significance for Combined immunodeficiency due to DOCK8 deficiency. Last evaluated: 2022-05-27. Review status: criteria provided, single submitter. Criteria: Invitae Variant Classification Sherloc (09022015). Collection method: clinical testing. Allele origin: germline.
Comment: This sequence change replaces valine, which is neutral and non-polar, with methionine, which is neutral and non-polar, at codon 865 of the DOCK8 protein (p.Val865Met). This variant is present in population databases (rs770643758, gnomAD 0.04%). This missense change has been observed in individual(s) with DOCK8 deficiency (PMID: 22476911). This variant is also known as p.Val797Met. ClinVar contains an entry for this variant (Variation ID: 653407). Algorithms developed to predict the effect of missense changes on protein structure and function output the following: SIFT: "Tolerated"; PolyPhen-2: "Benign"; Align-GVGD: "Class C0". The methionine amino acid residue is found in multiple mammalian species, which suggests that this missense change does not adversely affect protein function. In summary, the available evidence is currently insufficient to determine the role of this variant in disease. Therefore, it has been classified as a Variant of Uncertain Significance.

Illumina Laboratory Services, Illumina
Classification: Uncertain significance for Combined immunodeficiency due to DOCK8 deficiency. Last evaluated: 2018-01-12. Review status: criteria provided, single submitter. Criteria: ICSL Variant Classification Criteria 13 December 2019. Collection method: clinical testing. Allele origin: germline.

Literature cited by the submitters: PubMed 22476911 (cited by Labcorp Genetics (formerly Invitae), Labcorp).